The following is an entry in ClinVar:

ClinVar aggregate classification (germline): Conflicting classifications of pathogenicity. Review status: criteria provided, conflicting classifications (1 of 4 stars). 4 submissions from 4 submitters: Uncertain significance (3); Likely benign (1). Last evaluated 2025-06-05.

Conditions:
Bethlem myopathy 1A. Also called: Bethlem Muscular Dystrophy; MYOPATHY, BENIGN CONGENITAL, WITH CONTRACTURES; Bethlem myopathy 1. Identifiers: Orphanet 610, MedGen CN029274, MONDO:0024530, OMIM 158810.

Allele frequency attached by ClinVar (database versions not stated): gnomAD 0.00001; TOPMed 0.00002.
gnomAD v4.1: 13 of 1,614,042 alleles (0.00081%); highest among the groups gnomAD compares: East Asian, 0.0022%; no homozygotes.

Submissions (4):

Revvity Omics, Revvity
Classification: Uncertain significance. Last evaluated: 2025-06-05. Review status: criteria provided, single submitter. Criteria: ACMG Guidelines, 2015. Collection method: clinical testing. Allele origin: germline.

Labcorp Genetics (formerly Invitae), Labcorp
Classification: Likely benign for Bethlem myopathy 1A. Last evaluated: 2024-01-12. Review status: criteria provided, single submitter. Criteria: Invitae Variant Classification Sherloc (09022015). Collection method: clinical testing. Allele origin: germline.

Molecular Genetics, Royal Melbourne Hospital
Classification: Uncertain significance for Bethlem myopathy 1A. Last evaluated: 2023-03-30. Review status: criteria provided, single submitter. Criteria: ACMG Guidelines, 2015. Collection method: clinical testing. Allele origin: germline. Affected: yes.
Comment: This sequence change is predicted to replace proline with leucine at codon 192 of the COL6A3 protein (p.(Pro192Leu)). The proline residue is moderately conserved (100 vertebrates, UCSC), and is located in the von Willebrand factor type A 1 domain in an exon that has reduced expression in muscle tissue (GTEx, UniProt). There is a moderate physicochemical difference between proline and leucine. The variant is present in two individuals in a large population cohort (rs563800854, 2/251,414 alleles, 0 homozygotes in gnomAD v2.1). The variant has been identified in an individual with limb-girdle muscular dystrophy and an individual with an atypical muscular dystrophy, and reported as a variant of uncertain significance (ClinVar, Royal Melbourne Hospital, PMID: 30564623). Multiple lines of computational evidence predict a deleterious effect for the missense substitution (4/5 algorithms). Based on the classification scheme RMH ACMG Guidelines v1.2.1, this variant is classified as a VARIANT OF UNCERTAIN SIGNIFICANCE. Following criteria are met: PM2, PS4_Supporting, PP3.

Eurofins Ntd Llc (ga)
Classification: Uncertain significance. Last evaluated: 2016-02-25. Review status: criteria provided, single submitter. Criteria: EGL Classification Definitions 2015. Collection method: clinical testing. Allele origin: germline. Observed: 1 variant allele, 1 heterozygote.

Literature cited by the submitters: PubMed 30564623 (cited by Molecular Genetics, Royal Melbourne Hospital).

NM_004369.4(COL6A3):c.575C>T (p.Pro192Leu)

Gene: COL6A3 (collagen type VI alpha 3 chain; minus strand). Cytogenetic location: 2q37.3.
Variant type: single nucleotide variant.
Coding change: c.575C>T on transcript NM_004369.4 (MANE Select); coding-DNA position 575, C replaced by T.
Protein change: p.Pro192Leu; replaces proline 192 with leucine.
Molecular consequence: missense variant. On other transcripts: intron variant (4).
Genome position (GRCh38, 1-based): chr2:237,394,721, G>A on the plus strand (C>T on the coding strand, the complement: COL6A3 is on the minus strand). VCF-style: chr2-237394721-G-A. GRCh37 (hg19) VCF-style: chr2-238303364-G-A.
Other names: c.91+2006C>T (NM_057166.5, NM_057167.4, NM_057164.5 and 1 more transcripts); short protein forms P192L.
Identifiers: ClinVar variation 286462 (VCV000286462.17), dbSNP rs563800854, ClinGen allele CA2189836.